The following is an entry in ClinVar:

NM_000127.3(EXT1):c.1848C>G (p.Tyr616Ter)

Gene: EXT1 (exostosin glycosyltransferase 1; minus strand). Cytogenetic location: 8q24.11.
Variant type: single nucleotide variant.
Coding change: c.1848C>G on transcript NM_000127.3 (MANE Select); coding-DNA position 1848, C replaced by G.
Protein change: p.Tyr616Ter; replaces tyrosine 616 with a stop codon.
Molecular consequence: nonsense.
Genome position (GRCh38, 1-based): chr8:117,807,252, G>C on the plus strand (C>G on the coding strand, the complement: EXT1 is on the minus strand). VCF-style: chr8-117807252-G-C. GRCh37 (hg19) VCF-style: chr8-118819491-G-C.
Other names: short protein forms Y616*.
Identifiers: ClinVar variation 953759 (VCV000953759.10), dbSNP rs1563873580, ClinGen allele CA371878014.

ClinVar aggregate classification (germline): Pathogenic. Review status: criteria provided, multiple submitters, no conflicts (2 of 4 stars). 2 submissions from 2 submitters: Pathogenic (2). Last evaluated 2024-11-05.

Conditions:
Multiple congenital exostosis (EXT). Also called: MULTIPLE CARTILAGINOUS EXOSTOSES; Multiple exostoses; Hereditary multiple exostoses; Hereditary multiple exostosis; Multiple osteochondromas; Hereditary multiple osteochondromas. Identifiers: Orphanet 321, MedGen C0015306, MONDO:0005508, HP:0002762.
EXT1-related disorder. Also called: EXT1-related condition.

Submissions (2):

Labcorp Genetics (formerly Invitae), Labcorp
Classification: Pathogenic for Multiple congenital exostosis. Last evaluated: 2024-11-05. Review status: criteria provided, single submitter. Criteria: Invitae Variant Classification Sherloc (09022015). Collection method: clinical testing. Allele origin: germline.
Comment: This sequence change creates a premature translational stop signal (p.Tyr616*) in the EXT1 gene. It is expected to result in an absent or disrupted protein product. Loss-of-function variants in EXT1 are known to be pathogenic (PMID: 10679937, 11391482, 19810120). This variant is not present in population databases (gnomAD no frequency). This premature translational stop signal has been observed in individual(s) with multiple osteochondromas (PMID: 28690282). ClinVar contains an entry for this variant (Variation ID: 953759). For these reasons, this variant has been classified as Pathogenic.

PreventionGenetics, part of Exact Sciences
Classification: Pathogenic for EXT1-related condition. Last evaluated: 2023-03-02. Review status: criteria provided, single submitter. Criteria: ACMG Guidelines, 2015. Collection method: clinical testing. Allele origin: germline.
Comment: The EXT1 c.1848C>G variant is predicted to result in premature protein termination (p.Tyr616*). To our knowledge, this variant has not been reported in the literature or in a large population database, indicating this variant is rare. A frameshift variant (c.1843_1846dup) expected to create a premature stop codon at the same amino acid (616*) has been previously reported in an individual with multiple osteochondromas (Guo et al. 2017. PubMed ID: 28690282). Nonsense variants in EXT1 are expected to be pathogenic. This variant is interpreted as pathogenic.

Literature cited by the submitters: PubMed 10679937 (cited by Labcorp Genetics (formerly Invitae), Labcorp); PubMed 11391482 (cited by Labcorp Genetics (formerly Invitae), Labcorp); PubMed 19810120 (cited by Labcorp Genetics (formerly Invitae), Labcorp); PubMed 28690282 (cited by Labcorp Genetics (formerly Invitae), Labcorp).